The following is an entry in ClinVar:

NM_153614.4(DNAJB13):c.73C>G (p.Arg25Gly)

Gene: DNAJB13 (DnaJ heat shock protein family (Hsp40) member B13; plus strand). Cytogenetic location: 11q13.4.
Variant type: single nucleotide variant.
Coding change: c.73C>G on transcript NM_153614.4 (MANE Select); coding-DNA position 73, C replaced by G.
Protein change: p.Arg25Gly; replaces arginine 25 with glycine.
Molecular consequence: missense variant. On other transcripts: 5 prime UTR variant (1).
Genome position (GRCh38, 1-based): chr11:73,958,321, C>G. VCF-style: chr11-73958321-C-G. GRCh37 (hg19) VCF-style: chr11-73669366-C-G.
Other names: c.-233C>G (NM_001377263.1); short protein forms R25G.
Identifiers: ClinVar variation 1524684 (VCV001524684.6), dbSNP rs375603870, ClinGen allele CA6180594.

ClinVar aggregate classification (germline): Uncertain significance (1 of 4 stars; one submission).

gnomAD v4.1: 1 of 1,614,016 alleles (0.000062%); highest among the groups gnomAD compares: Non-Finnish European, 0.000085%; no homozygotes.

Submission:

Labcorp Genetics (formerly Invitae), Labcorp
Classification: Uncertain significance. Last evaluated: 2022-02-09. Review status: criteria provided, single submitter. Criteria: Invitae Variant Classification Sherloc (09022015). Collection method: clinical testing. Allele origin: germline.
Comment: In summary, the available evidence is currently insufficient to determine the role of this variant in disease. Therefore, it has been classified as a Variant of Uncertain Significance. Algorithms developed to predict the effect of missense changes on protein structure and function are either unavailable or do not agree on the potential impact of this missense change (SIFT: "Deleterious"; PolyPhen-2: "Probably Damaging"; Align-GVGD: "Class C0"). This variant has not been reported in the literature in individuals affected with DNAJB13-related conditions. This variant is present in population databases (rs375603870, gnomAD 0.0009%). This sequence change replaces arginine, which is basic and polar, with glycine, which is neutral and non-polar, at codon 25 of the DNAJB13 protein (p.Arg25Gly).